The following is an entry in ClinVar:

NM_003384.3(VRK1):c.660T>A (p.Cys220Ter)

Gene: VRK1 (VRK serine/threonine kinase 1; plus strand). Cytogenetic location: 14q32.2.
Variant type: single nucleotide variant.
Coding change: c.660T>A on transcript NM_003384.3 (MANE Select); coding-DNA position 660, T replaced by A.
Protein change: p.Cys220Ter; replaces cysteine 220 with a stop codon.
Molecular consequence: nonsense.
Genome position (GRCh38, 1-based): chr14:96,855,307, T>A. VCF-style: chr14-96855307-T-A. GRCh37 (hg19) VCF-style: chr14-97321644-T-A.
Other names: short protein forms C220*.
Identifiers: ClinVar variation 846403 (VCV000846403.10), dbSNP rs762979613, ClinGen allele CA7339042.

ClinVar aggregate classification (germline): Pathogenic/Likely pathogenic. Review status: criteria provided, multiple submitters, no conflicts (2 of 4 stars). 2 submissions from 2 submitters: Pathogenic (1); Likely pathogenic (1). Last evaluated 2024-01-04.

Conditions:
Pontocerebellar hypoplasia type 1A (PCH1A). Also called: PONTOCEREBELLAR HYPOPLASIA WITH ANTERIOR HORN CELL DISEASE; PONTOCEREBELLAR HYPOPLASIA WITH INFANTILE SPINAL MUSCULAR ATROPHY. Identifiers: Orphanet 2254, Orphanet 88616, MedGen C1843504, MONDO:0011866, OMIM 607596.
Neuronopathy, distal hereditary motor, autosomal recessive 10 (HMNR10). Also called: NEUROPATHY, DISTAL HEREDITARY MOTOR, AUTOSOMAL RECESSIVE 10; VRK1-RELATED MOTOR NEURON DISEASE. Identifiers: MedGen C5882703, MONDO:0957876, OMIM 620542.

gnomAD v4.1: 8 of 1,614,126 alleles (0.0005%); highest among the groups gnomAD compares: East Asian, 0.0022%; no homozygotes.

Submissions (2):

Fulgent Genetics
Classification: Likely pathogenic for Pontocerebellar hypoplasia type 1A; Neuronopathy, distal hereditary motor, autosomal recessive 10. Last evaluated: 2024-01-04. Review status: criteria provided, single submitter. Criteria: ACMG Guidelines, 2015. Collection method: clinical testing. Allele origin: germline.

Labcorp Genetics (formerly Invitae), Labcorp
Classification: Pathogenic for Pontocerebellar hypoplasia type 1A. Last evaluated: 2022-05-17. Review status: criteria provided, single submitter. Criteria: Invitae Variant Classification Sherloc (09022015). Collection method: clinical testing. Allele origin: germline.
Comment: This sequence change creates a premature translational stop signal (p.Cys220*) in the VRK1 gene. It is expected to result in an absent or disrupted protein product. Loss-of-function variants in VRK1 are known to be pathogenic (PMID: 19646678, 24126608, 27281532). This variant is present in population databases (rs762979613, gnomAD 0.006%). This variant has not been reported in the literature in individuals affected with VRK1-related conditions. ClinVar contains an entry for this variant (Variation ID: 846403). For these reasons, this variant has been classified as Pathogenic.

Literature cited by the submitters: PubMed 19646678 (cited by Labcorp Genetics (formerly Invitae), Labcorp); PubMed 24126608 (cited by Labcorp Genetics (formerly Invitae), Labcorp); PubMed 27281532 (cited by Labcorp Genetics (formerly Invitae), Labcorp).